The following is an entry in ClinVar:

ClinVar aggregate classification (germline): Likely pathogenic (1 of 4 stars; one submission).

Conditions:
Periventricular nodular heterotopia 9. Identifiers: MedGen C5394503, MONDO:0030061, OMIM 618918.

Submission:

3billion
Classification: Likely pathogenic for Periventricular nodular heterotopia 9. Last evaluated: 2021-10-02. Review status: criteria provided, single submitter. Criteria: ACMG Guidelines, 2015. Collection method: clinical testing. Allele origin: unknown. Affected: yes. Observed: 1 heterozygote.
Comment: Frameshift: predicted to result in a loss or disruption of normal protein function through nonsense-mediated decay (NMD) or protein truncation. Multiple pathogenic variants are reported downstream of the variant (PVS1_VS). It is not observed in the gnomAD v2.1.1 dataset (PM2). Therefore, this variant is classified as likely pathogenic according to the recommendation of ACMG/AMP guideline.

NM_005909.5(MAP1B):c.6733del (p.Thr2245fs)

Gene: MAP1B (microtubule associated protein 1B; plus strand). Cytogenetic location: 5q13.2.
Variant type: Deletion.
Coding change: c.6733del on transcript NM_005909.5 (MANE Select); coding-DNA position 6733, one base deleted (A; older notation c.6733delA).
Protein change: p.Thr2245fs; shifts the reading frame from threonine 2245.
Molecular consequence: frameshift variant.
Genome position (GRCh38, 1-based): chr5:72,200,088, A deleted; the last of 4 consecutive A bases (chr5:72,200,085-72,200,088); deleting any one gives the same sequence. VCF-style (leftmost placement, unchanged base first): chr5-72200084-CA-C. GRCh37 (hg19) VCF-style: chr5-71495911-CA-C.
Other names: c.6355del, p.Thr2119fs (NM_001324255.2); short protein forms T2119fs, T2245fs.
Identifiers: ClinVar variation 1320233 (VCV001320233.1), dbSNP rs2111894757, ClinGen allele CA2573052529.
Genomic context (GRCh38, chr5:72,200,084, plus strand): 5'-GGCCTTGGCCATTGAGCAGAACCTGGGCAAAGCTCTAAAGAAAGATCTGAAAGAGAAGAC[CA>C]AAACCAAAAAGCCAGGTACAAAGACCAAGTCATCTTCACCTGTCAAAAAGAGTGATGGGA-3'